The following is an entry in ClinVar:

ClinVar aggregate classification (germline): Conflicting classifications of pathogenicity. Review status: criteria provided, conflicting classifications (1 of 4 stars). 5 submissions from 5 submitters: Uncertain significance (4); Likely benign (1). Last evaluated 2026-06-26.

Conditions:
Catecholaminergic polymorphic ventricular tachycardia 5 (CARDAR). Also called: Ventricular tachycardia, catecholaminergic polymorphic, 5, with or without muscle weakness; CARDIAC ARRHYTHMIA SYNDROME, WITH OR WITHOUT SKELETAL MUSCLE WEAKNESS. Identifiers: Orphanet 3286, MedGen C3809536, MONDO:0014191, OMIM 615441.
Cardiovascular phenotype. Identifiers: MedGen CN230736.
Catecholaminergic polymorphic ventricular tachycardia 1. Also called: RYR2-Related Catecholaminergic Polymorphic Ventricular Tachycardia; VENTRICULAR TACHYCARDIA, CATECHOLAMINERGIC POLYMORPHIC, 1, WITH OR WITHOUT ATRIAL DYSFUNCTION AND/OR DILATED CARDIOMYOPATHY; VENTRICULAR TACHYCARDIA, STRESS-INDUCED POLYMORPHIC 1. Identifiers: Orphanet 3286, MedGen C1631597, MONDO:0011484, OMIM 604772.

Allele frequency attached by ClinVar (database versions not stated): gnomAD 0.00001; TOPMed 0.00002; gnomAD exomes below 0.00001 and 0.00004.
gnomAD v4.1: 59 of 1,586,498 alleles (0.0037%); highest among the groups gnomAD compares: Non-Finnish European, 0.0048%; no homozygotes.

Submissions (5):

Women's Health and Genetics/Laboratory Corporation of America, LabCorp
Classification: Uncertain significance. Last evaluated: 2026-06-26. Review status: criteria provided, single submitter. Criteria: LabCorp Variant Classification Summary - May 2015. Collection method: clinical testing. Allele origin: germline.

Ambry Genetics
Classification: Likely benign for Cardiovascular phenotype. Last evaluated: 2025-11-24. Review status: criteria provided, single submitter. Criteria: Ambry Variant Classification Scheme 2023. Collection method: clinical testing. Allele origin: germline.

ARUP Laboratories, Molecular Genetics and Genomics, ARUP Laboratories
Classification: Uncertain significance for Catecholaminergic polymorphic ventricular tachycardia 5. Last evaluated: 2024-04-24. Review status: criteria provided, single submitter. Criteria: ARUP Molecular Germline Variant Investigation Process 2024. Collection method: clinical testing. Allele origin: germline.
Comment: The TRDN c.1115A>G; p.Lys372Arg variant (rs1259355217), to our knowledge, is not reported in the medical literature but is reported in ClinVar (Variation ID: 450750). This variant is only observed on one allele in the Genome Aggregation Database (v2.1.1), indicating it is not a common polymorphism. Computational analyses predict that this variant is neutral (REVEL: 0.052). However, given the lack of clinical and functional data, the significance of this variant is uncertain at this time.

Labcorp Genetics (formerly Invitae), Labcorp
Classification: Uncertain significance for Catecholaminergic polymorphic ventricular tachycardia 1. Last evaluated: 2022-08-03. Review status: criteria provided, single submitter. Criteria: Invitae Variant Classification Sherloc (09022015). Collection method: clinical testing. Allele origin: germline.
Comment: This sequence change replaces lysine, which is basic and polar, with arginine, which is basic and polar, at codon 372 of the TRDN protein (p.Lys372Arg). This variant is present in population databases (no rsID available, gnomAD 0.001%). This variant has not been reported in the literature in individuals affected with TRDN-related conditions. ClinVar contains an entry for this variant (Variation ID: 450750). Algorithms developed to predict the effect of missense changes on protein structure and function output the following: SIFT: "Tolerated"; PolyPhen-2: "Benign"; Align-GVGD: "Class C0". The arginine amino acid residue is found in multiple mammalian species, which suggests that this missense change does not adversely affect protein function. Algorithms developed to predict the effect of sequence changes on RNA splicing suggest that this variant may disrupt the consensus splice site. In summary, the available evidence is currently insufficient to determine the role of this variant in disease. Therefore, it has been classified as a Variant of Uncertain Significance.

GeneDx
Classification: Uncertain significance. Last evaluated: 2017-07-24. Review status: criteria provided, single submitter. Criteria: GeneDx Variant Classification (06012015). Collection method: clinical testing. Allele origin: germline. Affected: yes.
Comment: A variant of uncertain significance has been identified in the TRDN gene. The K372R variant has not been published as pathogenic or been reported as benign to our knowledge. This variant is also not observed in large population cohorts (Lek et al., 2016; 1000 Genomes Consortium et al., 2015; Exome Variant Server). However, K372R is a conservative amino acid substitution, which is not likely to impact secondary protein structure as these residues share similar properties. This substitution occurs at a position that is not conserved across species and arginine (R) is the wild-type residue at this position in at least one mammalian species. Finally, in silico analysis predicts this variant likely does not alter the protein structure/function.

NM_006073.4(TRDN):c.1115A>G (p.Lys372Arg)

Gene: TRDN (triadin; minus strand). Cytogenetic location: 6q22.31.
Variant type: single nucleotide variant.
Coding change: c.1115A>G on transcript NM_006073.4 (MANE Select); coding-DNA position 1115, A replaced by G.
Protein change: p.Lys372Arg; replaces lysine 372 with arginine.
Molecular consequence: missense variant.
Genome position (GRCh38, 1-based): chr6:123,388,542, T>C on the plus strand (A>G on the coding strand, the complement: TRDN is on the minus strand). VCF-style: chr6-123388542-T-C. GRCh37 (hg19) VCF-style: chr6-123709687-T-C.
Other names: c.1115A>G (NM_006073.2); c.1118A>G, p.Lys373Arg (NM_001251987.2); short protein forms K372R, K373R.
Identifiers: ClinVar variation 450750 (VCV000450750.8), dbSNP rs1259355217, ClinGen allele CA365567076.